The following is an entry in ClinVar:

NM_001365999.1(SZT2):c.8638C>A (p.Pro2880Thr)

Gene: SZT2 (SZT2 subunit of KICSTOR complex; plus strand). Cytogenetic location: 1p34.2.
Variant type: single nucleotide variant.
Coding change: c.8638C>A on transcript NM_001365999.1 (MANE Select); coding-DNA position 8638, C replaced by A.
Protein change: p.Pro2880Thr; replaces proline 2880 with threonine.
Molecular consequence: missense variant.
Genome position (GRCh38, 1-based): chr1:43,443,609, C>A. VCF-style: chr1-43443609-C-A. GRCh37 (hg19) VCF-style: chr1-43909280-C-A.
Other names: c.8467C>A, p.Pro2823Thr (NM_015284.4); short protein forms P2823T, P2880T.
Identifiers: ClinVar variation 1675297 (VCV001675297.2), dbSNP rs1655331851, ClinGen allele CA340039908.
Genomic context (GRCh38, chr1:43,443,609, plus strand): 5'-AGGATGGTTGACAGTGGGGAGAGTCTTCCTTGATCTTTACTCTCATAGCGGCGCCATCGC[C>A]CTGAGTCAGGGTCTGGGAGCCGAGAGGCCCCCACAAGCTGTGAATCCTTGGATGTGTCGC-3'
Protein context (NP_001352928.1, residues 2870-2890): GPPDGQRRHR[Pro2880Thr]ESGSGSREAP

ClinVar aggregate classification (germline): Uncertain significance (1 of 4 stars; one submission).

Allele frequency attached by ClinVar (database versions not stated): TOPMed below 0.00001.

Submission:

GeneDx
Classification: Uncertain significance. Last evaluated: 2022-03-14. Review status: criteria provided, single submitter. Criteria: GeneDx Variant Classification Process June 2021. Collection method: clinical testing. Allele origin: germline. Affected: yes.
Comment: Not observed at significant frequency in large population cohorts (gnomAD); In silico analysis supports that this missense variant does not alter protein structure/function; Has not been previously published as pathogenic or benign to our knowledge